The following is an entry in ClinVar:

ClinVar aggregate classification (germline): Likely benign. Review status: criteria provided, multiple submitters, no conflicts (2 of 4 stars). 2 submissions from 2 submitters: Likely benign (2). Last evaluated 2025-08-01.

Conditions:
Spastic paraplegia. Identifiers: MedGen C0037772, HP:0001258.

Allele frequency attached by ClinVar (database versions not stated): ExAC 0.00003; gnomAD exomes 0.00003; gnomAD 0.00007; TOPMed 0.00007; ESP Exome Variant Server 0.00008.
gnomAD v4.1: 28 of 1,574,594 alleles (0.0018%); highest among the groups gnomAD compares: African/African-American, 0.018%; no homozygotes.

Submissions (2):

CeGaT Center for Human Genetics Tuebingen
Classification: Likely benign. Last evaluated: 2025-08-01. Review status: criteria provided, single submitter. Criteria: CeGaT Center For Human Genetics Tuebingen Variant Classification Criteria Version 2. Collection method: clinical testing. Allele origin: germline. Affected: yes. Observed: 1 variant allele.
Comment: CYP2U1: BP4, BP7

Labcorp Genetics (formerly Invitae), Labcorp
Classification: Likely benign for Spastic paraplegia. Last evaluated: 2025-03-31. Review status: criteria provided, single submitter. Criteria: Invitae Variant Classification Sherloc (09022015). Collection method: clinical testing. Allele origin: germline.

NM_183075.3(CYP2U1):c.1116C>T (p.Pro372=)

Gene: CYP2U1 (cytochrome P450 family 2 subfamily U member 1; plus strand). Cytogenetic location: 4q25.
Variant type: single nucleotide variant.
Coding change: c.1116C>T on transcript NM_183075.3 (MANE Select); coding-DNA position 1116, C replaced by T.
Protein change: p.Pro372=; no amino-acid change (proline 372 retained).
Molecular consequence: synonymous variant.
Genome position (GRCh38, 1-based): chr4:107,945,595, C>T. VCF-style: chr4-107945595-C-T. GRCh37 (hg19) VCF-style: chr4-108866751-C-T.
Identifiers: ClinVar variation 1547259 (VCV001547259.16), dbSNP rs373823906, ClinGen allele CA3037112.